The following is an entry in ClinVar:

ClinVar aggregate classification (germline): Conflicting classifications of pathogenicity. Review status: criteria provided, conflicting classifications (1 of 4 stars). 2 submissions from 2 submitters: Uncertain significance (1); Likely benign (1). Last evaluated 2025-12-22.

Conditions:
Inborn genetic diseases. Identifiers: MedGen C0950123, MeSH D030342.

Allele frequency attached by ClinVar (database versions not stated): TOPMed 0.00002; gnomAD 0.00003 and 0.00004; gnomAD exomes 0.00003 and 0.00008.
gnomAD v4.1: 109 of 1,549,582 alleles (0.007%); highest among the groups gnomAD compares: Non-Finnish European, 0.009%; no homozygotes.

Submissions (2):

Ambry Genetics
Classification: Likely benign for Inborn genetic diseases. Last evaluated: 2025-12-22. Review status: criteria provided, single submitter. Criteria: Ambry Variant Classification Scheme 2023. Collection method: clinical testing. Allele origin: germline.

Labcorp Genetics (formerly Invitae), Labcorp
Classification: Uncertain significance. Last evaluated: 2025-07-15. Review status: criteria provided, single submitter. Criteria: Invitae Variant Classification Sherloc (09022015). Collection method: clinical testing. Allele origin: germline.
Comment: This sequence change replaces glutamic acid, which is acidic and polar, with aspartic acid, which is acidic and polar, at codon 540 of the BCL11B protein (p.Glu540Asp). The frequency data for this variant in the population databases is considered unreliable, as metrics indicate poor data quality at this position in the gnomAD database. This variant has not been reported in the literature in individuals affected with BCL11B-related conditions. ClinVar contains an entry for this variant (Variation ID: 1037856). Invitae Evidence Modeling of protein sequence and biophysical properties (such as structural, functional, and spatial information, amino acid conservation, physicochemical variation, residue mobility, and thermodynamic stability) has been performed for this missense variant. However, the output from this modeling did not meet the statistical confidence thresholds required to predict the impact of this variant on BCL11B protein function. In summary, the available evidence is currently insufficient to determine the role of this variant in disease. Therefore, it has been classified as a Variant of Uncertain Significance.

NM_138576.4(BCL11B):c.1620G>C (p.Glu540Asp)

Gene: BCL11B (BCL11 transcription factor B; minus strand). Cytogenetic location: 14q32.2.
Variant type: single nucleotide variant.
Coding change: c.1620G>C on transcript NM_138576.4 (MANE Select); coding-DNA position 1620, G replaced by C.
Protein change: p.Glu540Asp; replaces glutamic acid 540 with aspartic acid.
Molecular consequence: missense variant.
Genome position (GRCh38, 1-based): chr14:99,175,216, C>G on the plus strand (G>C on the coding strand, the complement: BCL11B is on the minus strand). VCF-style: chr14-99175216-C-G. GRCh37 (hg19) VCF-style: chr14-99641553-C-G.
Other names: c.1617G>C, p.Glu539Asp (NM_001282237.2); c.1404G>C, p.Glu468Asp (NM_001282238.2); c.1407G>C, p.Glu469Asp (NM_022898.3); c.1620G>C (NM_138576.2); short protein forms E468D, E540D, E469D, E539D.
Identifiers: ClinVar variation 1037856 (VCV001037856.9), dbSNP rs1004029888, ClinGen allele CA266105473.